The following is an entry in ClinVar:

ClinVar aggregate classification (germline): Uncertain significance (1 of 4 stars; one submission).

Conditions:
Hereditary cancer-predisposing syndrome. Also called: Neoplastic Syndromes, Hereditary; Tumor predisposition; Hereditary Cancer Syndrome; Hereditary neoplastic syndrome. Identifiers: Orphanet 140162, MedGen C0027672, MeSH D009386, MONDO:0015356.

Submission:

Ambry Genetics
Classification: Uncertain significance for Hereditary cancer-predisposing syndrome. Last evaluated: 2018-09-06. Review status: criteria provided, single submitter. Criteria: Ambry Variant Classification Scheme 2023. Collection method: clinical testing. Allele origin: germline.
Comment: The p.E745K variant (also known as c.2233G>A), located in coding exon 9 of the BLM gene, results from a G to A substitution at nucleotide position 2233. The glutamic acid at codon 745 is replaced by lysine, an amino acid with similar properties. This amino acid position is well conserved in available vertebrate species. In addition, the in silico prediction for this alteration is inconclusive. Since supporting evidence is limited at this time, the clinical significance of this alteration remains unclear.

NM_000057.4(BLM):c.2233G>A (p.Glu745Lys)

Gene: BLM (BLM RecQ like helicase; plus strand). Cytogenetic location: 15q26.1.
Variant type: single nucleotide variant.
Coding change: c.2233G>A on transcript NM_000057.4 (MANE Select); coding-DNA position 2233, G replaced by A.
Protein change: p.Glu745Lys; replaces glutamic acid 745 with lysine.
Molecular consequence: missense variant.
Genome position (GRCh38, 1-based): chr15:90,766,949, G>A. VCF-style: chr15-90766949-G-A. GRCh37 (hg19) VCF-style: chr15-91310179-G-A.
Other names: c.2233G>A, p.Glu745Lys (NM_001287246.2, NM_001287247.2); c.1108G>A, p.Glu370Lys (NM_001287248.2); short protein forms E745K, E370K.
Identifiers: ClinVar variation 820946 (VCV000820946.4), dbSNP rs1596235872, ClinGen allele CA393844845.